The following is an entry in ClinVar:

NM_198129.4(LAMA3):c.5261G>A (p.Arg1754Gln)

Gene: LAMA3 (laminin subunit alpha 3; plus strand). Cytogenetic location: 18q11.2.
Variant type: single nucleotide variant.
Coding change: c.5261G>A on transcript NM_198129.4 (MANE Select); coding-DNA position 5261, G replaced by A.
Protein change: p.Arg1754Gln; replaces arginine 1754 with glutamine.
Molecular consequence: missense variant.
Genome position (GRCh38, 1-based): chr18:23,884,811, G>A. VCF-style: chr18-23884811-G-A. GRCh37 (hg19) VCF-style: chr18-21464775-G-A.
Other names: c.434G>A, p.Arg145Gln (NM_000227.6, NM_001127718.4); c.5261G>A, p.Arg1754Gln (NM_001127717.4); short protein forms R145Q, R1754Q.
Identifiers: ClinVar variation 4705282 (VCV004705282.1).

ClinVar aggregate classification (germline): Uncertain significance (1 of 4 stars; one submission).

gnomAD v4.1: 17 of 1,613,690 alleles (0.0011%); highest among the groups gnomAD compares: East Asian, 0.0022%; no homozygotes.

Submission:

Labcorp Genetics (formerly Invitae), Labcorp
Classification: Uncertain significance. Last evaluated: 2025-04-17. Review status: criteria provided, single submitter. Criteria: Invitae Variant Classification Sherloc (09022015). Collection method: clinical testing. Allele origin: germline.
Comment: This sequence change replaces arginine, which is basic and polar, with glutamine, which is neutral and polar, at codon 145 of the LAMA3 protein (p.Arg145Gln). This variant is present in population databases (rs376167972, gnomAD 0.004%). This variant has not been reported in the literature in individuals affected with LAMA3-related conditions. Invitae Evidence Modeling of protein sequence and biophysical properties (such as structural, functional, and spatial information, amino acid conservation, physicochemical variation, residue mobility, and thermodynamic stability) indicates that this missense variant is not expected to disrupt LAMA3 protein function with a negative predictive value of 80%. In summary, the available evidence is currently insufficient to determine the role of this variant in disease. Therefore, it has been classified as a Variant of Uncertain Significance.